The following is an entry in ClinVar:

NM_001002295.2(GATA3):c.759_766dup (p.Arg256fs)

Gene: GATA3 (GATA binding protein 3; plus strand). Cytogenetic location: 10p14.
Variant type: Duplication.
Coding change: c.759_766dup on transcript NM_001002295.2 (MANE Select); coding-DNA positions 759 to 766, 8 bases duplicated (CAAGGCCC; older notation c.759_766dupCAAGGCCC).
Protein change: p.Arg256fs; shifts the reading frame from arginine 256.
Molecular consequence: frameshift variant.
Genome position (GRCh38, 1-based): chr10:8,058,822-8,058,829, CAAGGCCC duplicated; duplicating any 8 consecutive bases within chr10:8,058,820-8,058,829 gives the same sequence; the c. name uses the placement nearest the transcript's 3' end. VCF-style (leftmost placement, unchanged base first): chr10-8058819-G-GCCCAAGGC. GRCh37 (hg19) VCF-style: chr10-8100782-G-GCCCAAGGC.
Other names: c.759_766dup, p.Arg256fs (NM_002051.3); short protein forms R256fs.
Identifiers: ClinVar variation 3601131 (VCV003601131.1).

ClinVar aggregate classification (germline): Likely pathogenic (1 of 4 stars; one submission).

Conditions:
Hypoparathyroidism, deafness, renal disease syndrome (HDRS). Also called: HYPOPARATHYROIDISM, SENSORINEURAL DEAFNESS, AND RENAL DYSPLASIA SYNDROME. Identifiers: Orphanet 2237, MedGen C1840333, MONDO:0007797, OMIM 146255.

Submission:

Institute of Rare Diseases, West China Hospital, Sichuan University
Classification: Likely pathogenic for Hypoparathyroidism, deafness, renal disease syndrome. Last evaluated: 2025-01-09. Review status: criteria provided, single submitter. Criteria: ClinGen HL ACMG Specifications v1. Collection method: research. Allele origin: germline. Affected: yes.
Comment: PVS1;PM2_Supporting